The following is an entry in ClinVar:

NM_017654.4(SAMD9):c.1423A>G (p.Thr475Ala)

Gene: SAMD9 (sterile alpha motif domain containing 9; minus strand). Cytogenetic location: 7q21.2.
Variant type: single nucleotide variant.
Coding change: c.1423A>G on transcript NM_017654.4 (MANE Select); coding-DNA position 1423, A replaced by G.
Protein change: p.Thr475Ala; replaces threonine 475 with alanine.
Molecular consequence: missense variant.
Genome position (GRCh38, 1-based): chr7:93,104,675, T>C on the plus strand (A>G on the coding strand, the complement: SAMD9 is on the minus strand). VCF-style: chr7-93104675-T-C. GRCh37 (hg19) VCF-style: chr7-92733988-T-C.
Other names: c.1423A>G (NM_017654.3); c.1423A>G, p.Thr475Ala (NM_001193307.2); short protein forms T475A.
Identifiers: ClinVar variation 2091798 (VCV002091798.5), dbSNP rs759088852, ClinGen allele CA4342975.

ClinVar aggregate classification (germline): Uncertain significance. Review status: criteria provided, multiple submitters, no conflicts (2 of 4 stars). 2 submissions from 2 submitters: Uncertain significance (2). Last evaluated 2024-11-25.

Conditions:
Inborn genetic diseases. Identifiers: MedGen C0950123, MeSH D030342.

Allele frequency attached by ClinVar (database versions not stated): gnomAD exomes below 0.00001; ExAC 0.00001; gnomAD 0.00001.

Submissions (2):

Ambry Genetics
Classification: Uncertain significance for Inborn genetic diseases. Last evaluated: 2024-11-25. Review status: criteria provided, single submitter. Criteria: Ambry Variant Classification Scheme 2023. Collection method: clinical testing. Allele origin: germline.
Comment: The p.T475A variant (also known as c.1423A>G), located in coding exon 1 of the SAMD9 gene, results from an A to G substitution at nucleotide position 1423. The threonine at codon 475 is replaced by alanine, an amino acid with similar properties. This amino acid position is conserved. In addition, this alteration is predicted to be tolerated by in silico analysis. Based on the available evidence, the clinical significance of this variant remains unclear.

Labcorp Genetics (formerly Invitae), Labcorp
Classification: Uncertain significance. Last evaluated: 2024-07-02. Review status: criteria provided, single submitter. Criteria: Invitae Variant Classification Sherloc (09022015). Collection method: clinical testing. Allele origin: germline.
Comment: This sequence change replaces threonine, which is neutral and polar, with alanine, which is neutral and non-polar, at codon 475 of the SAMD9 protein (p.Thr475Ala). This variant is present in population databases (rs759088852, gnomAD 0.002%). This variant has not been reported in the literature in individuals affected with SAMD9-related conditions. ClinVar contains an entry for this variant (Variation ID: 2091798). Advanced modeling of protein sequence and biophysical properties (such as structural, functional, and spatial information, amino acid conservation, physicochemical variation, residue mobility, and thermodynamic stability) performed at Invitae indicates that this missense variant is not expected to disrupt SAMD9 protein function with a negative predictive value of 95%. In summary, the available evidence is currently insufficient to determine the role of this variant in disease. Therefore, it has been classified as a Variant of Uncertain Significance.